The following is an entry in ClinVar:

NM_000535.7(PMS2):c.1761T>G (p.Ser587Arg)

Gene: PMS2 (PMS1 homolog 2, mismatch repair system component; minus strand). Cytogenetic location: 7p22.1.
Variant type: single nucleotide variant.
Coding change: c.1761T>G on transcript NM_000535.7 (MANE Select); coding-DNA position 1761, T replaced by G.
Protein change: p.Ser587Arg; replaces serine 587 with arginine.
Molecular consequence: missense variant. On other transcripts: non-coding transcript variant (1).
Genome position (GRCh38, 1-based): chr7:5,987,004, A>C on the plus strand (T>G on the coding strand, the complement: PMS2 is on the minus strand). VCF-style: chr7-5987004-A-C. GRCh37 (hg19) VCF-style: chr7-6026635-A-C.
Other names: c.1356T>G, p.Ser452Arg (NM_001322003.2, NM_001322004.2, NM_001322005.2 and 1 more transcripts); c.1605T>G, p.Ser535Arg (NM_001322006.2); c.1443T>G, p.Ser481Arg (NM_001322007.2, NM_001322008.2); c.1200T>G, p.Ser400Arg (NM_001322010.2); c.828T>G, p.Ser276Arg (NM_001322011.2, NM_001322012.2); c.1188T>G, p.Ser396Arg (NM_001322013.2); c.1761T>G, p.Ser587Arg (NM_001322014.2); c.1452T>G, p.Ser484Arg (NM_001322015.2); short protein forms S587R, S396R, S484R, S276R, S535R, S400R, S452R, S481R.
Identifiers: ClinVar variation 484290 (VCV000484290.16), dbSNP rs1311237867, ClinGen allele CA366739989.
Genomic context (GRCh38, chr7:5,987,004, plus strand): 5'-TACATCAACCTGAGAGGCTGACATGTCCTGAGTATTTACTAACTTTTGACAAATGTCAGA[A>C]CTGGAAAGAATTTCTTCTTTTTTAAAACGCTTTGTGTTTGGGGTTGCGAGATTAGTTGGC-3'
Protein context (NP_000526.2, residues 577-597): KRFKKEEILS[Ser587Arg]SDICQKLVNT

ClinVar aggregate classification (germline): Uncertain significance. Review status: criteria provided, multiple submitters, no conflicts (2 of 4 stars). 3 submissions from 3 submitters: Uncertain significance (3). Last evaluated 2025-05-17.

Conditions:
Hereditary nonpolyposis colorectal neoplasms. Identifiers: MedGen C0009405, MeSH D003123.
Hereditary cancer-predisposing syndrome. Also called: Neoplastic Syndromes, Hereditary; Tumor predisposition; Hereditary Cancer Syndrome; Hereditary neoplastic syndrome. Identifiers: Orphanet 140162, MedGen C0027672, MeSH D009386, MONDO:0015356.

Allele frequency attached by ClinVar (database versions not stated): gnomAD exomes 0.00001.
gnomAD v4.1: 3 of 1,614,238 alleles (0.00019%); highest among the groups gnomAD compares: Admixed American, 0.005%; no homozygotes.

Submissions (3):

Labcorp Genetics (formerly Invitae), Labcorp
Classification: Uncertain significance for Hereditary nonpolyposis colorectal neoplasms. Last evaluated: 2025-05-17. Review status: criteria provided, single submitter. Criteria: Invitae Variant Classification Sherloc (09022015). Collection method: clinical testing. Allele origin: germline.
Comment: This sequence change replaces serine, which is neutral and polar, with arginine, which is basic and polar, at codon 587 of the PMS2 protein (p.Ser587Arg). This variant is present in population databases (no rsID available, gnomAD 0.009%). This variant has not been reported in the literature in individuals affected with PMS2-related conditions. ClinVar contains an entry for this variant (Variation ID: 484290). Invitae Evidence Modeling incorporating data from in vitro experimental studies (internal data) indicates that this missense variant is not expected to disrupt PMS2 function with a negative predictive value of 95%. In summary, the available evidence is currently insufficient to determine the role of this variant in disease. Therefore, it has been classified as a Variant of Uncertain Significance.

Ambry Genetics
Classification: Uncertain significance for Hereditary cancer-predisposing syndrome. Last evaluated: 2024-08-19. Review status: criteria provided, single submitter. Criteria: Ambry Variant Classification Scheme 2023. Collection method: clinical testing. Allele origin: germline.
Comment: The p.S587R variant (also known as c.1761T>G), located in coding exon 11 of the PMS2 gene, results from a T to G substitution at nucleotide position 1761. The serine at codon 587 is replaced by arginine, an amino acid with dissimilar properties. This amino acid position is poorly conserved in available vertebrate species. In addition, this alteration is predicted to be tolerated by in silico analysis. Since supporting evidence is limited at this time, the clinical significance of this alteration remains unclear.

Color Diagnostics, LLC DBA Color Health
Classification: Uncertain significance for Hereditary cancer-predisposing syndrome. Last evaluated: 2023-03-15. Review status: criteria provided, single submitter. Criteria: ACMG Guidelines, 2015. Collection method: clinical testing. Allele origin: germline.
Comment: This missense variant replaces serine with arginine at codon 587 of the PMS2 protein. Computational prediction suggests that this variant may not impact protein structure and function (internally defined REVEL score threshold <= 0.5, PMID: 27666373). To our knowledge, functional studies have not been reported for this variant. This variant has not been reported in individuals affected with PMS2-related disorders in the literature. This variant has been identified in 3/251414 chromosomes in the general population by the Genome Aggregation Database (gnomAD). The available evidence is insufficient to determine the role of this variant in disease conclusively. Therefore, this variant is classified as a Variant of Uncertain Significance.